The following is an entry in ClinVar:

NM_000481.4(AMT):c.130G>A (p.Ala44Thr)

Gene: AMT (aminomethyltransferase; minus strand). Cytogenetic location: 3p21.31.
Variant type: single nucleotide variant.
Coding change: c.130G>A on transcript NM_000481.4 (MANE Select); coding-DNA position 130, G replaced by A.
Protein change: p.Ala44Thr; replaces alanine 44 with threonine.
Molecular consequence: missense variant. On other transcripts: non-coding transcript variant (1), intron variant (1).
Genome position (GRCh38, 1-based): chr3:49,422,232, C>T on the plus strand (G>A on the coding strand, the complement: AMT is on the minus strand). VCF-style: chr3-49422232-C-T. GRCh37 (hg19) VCF-style: chr3-49459665-C-T.
Other names: c.130G>A, p.Ala44Thr (NM_001164710.2, NM_001164712.2); c.90+129G>A (NM_001164711.2); short protein forms A44T.
Identifiers: ClinVar variation 841197 (VCV000841197.4), dbSNP rs2049118414, ClinGen allele CA352791274.
Genomic context (GRCh38, chr3:49,422,232, plus strand): 5'-TGTCCCGGTACTGCACTGGCAGACTCCAACCCGCAAACGCCACCATTTTCCCGCCGTGGG[C>T]CAGGTGGAAGTCATAGAGCGGTGTCCTGCGGAGCACCTCCTGTGGGCGGCTGGGCTTAGT-3'
Protein context (NP_000472.2, residues 34-54): RRTPLYDFHL[Ala44Thr]HGGKMVAFAG

ClinVar aggregate classification (germline): Uncertain significance (1 of 4 stars; one submission).

Conditions:
Glycine encephalopathy. Also called: Nonketotic hyperglycinemia; Non-ketotic hyperglycinemia. Identifiers: Orphanet 407, MedGen C0751748, MONDO:0011612, HP:0008288.

Submission:

Labcorp Genetics (formerly Invitae), Labcorp
Classification: Uncertain significance for Glycine encephalopathy. Last evaluated: 2021-09-01. Review status: criteria provided, single submitter. Criteria: Invitae Variant Classification Sherloc (09022015). Collection method: clinical testing. Allele origin: germline.
Comment: This sequence change replaces alanine with threonine at codon 44 of the AMT protein (p.Ala44Thr). The alanine residue is moderately conserved and there is a small physicochemical difference between alanine and threonine. This variant is not present in population databases (ExAC no frequency). This variant has not been reported in the literature in individuals affected with AMT-related conditions. Algorithms developed to predict the effect of missense changes on protein structure and function (SIFT, PolyPhen-2, Align-GVGD) all suggest that this variant is likely to be tolerated. In summary, the available evidence is currently insufficient to determine the role of this variant in disease. Therefore, it has been classified as a Variant of Uncertain Significance.